The following is an entry in ClinVar:

ClinVar aggregate classification (germline): Uncertain significance (1 of 4 stars; one submission).

Submission:

GeneDx
Classification: Uncertain significance. Last evaluated: 2019-09-10. Review status: criteria provided, single submitter. Criteria: GeneDx Variant Classification Process June 2021. Collection method: clinical testing. Allele origin: germline. Affected: yes.
Comment: Has not been previously published as pathogenic or benign to our knowledge; Not observed in large population cohorts (Lek et al., 2016); In silico analysis, which includes protein predictors and evolutionary conservation, supports that this variant does not alter protein structure/function

NM_005901.6(SMAD2):c.323C>G (p.Thr108Ser)

Gene: SMAD2 (SMAD family member 2; minus strand). Cytogenetic location: 18q21.1.
Variant type: single nucleotide variant.
Coding change: c.323C>G on transcript NM_005901.6 (MANE Select); coding-DNA position 323, C replaced by G.
Protein change: p.Thr108Ser; replaces threonine 108 with serine.
Molecular consequence: missense variant. On other transcripts: intron variant (1).
Genome position (GRCh38, 1-based): chr18:47,870,478, G>C on the plus strand (C>G on the coding strand, the complement: SMAD2 is on the minus strand). VCF-style: chr18-47870478-G-C. GRCh37 (hg19) VCF-style: chr18-45396849-G-C.
Other names: c.323C>G, p.Thr108Ser (NM_001003652.4); c.237-1042C>G (NM_001135937.3); short protein forms T108S.
Identifiers: ClinVar variation 1312105 (VCV001312105.2), dbSNP rs752221087, ClinGen allele CA402502270.
Genomic context (GRCh38, chr18:47,870,478, plus strand): 5'-AAAATATACCCCCCTCCCACAAGATCTCTAAGATTCGACAGAGGGCAGAATATTCACCTG[G>C]TTTGTTCAGAGAAGCTGTAAAGGCCTGTTGTATCCCACTGATCTATCGTATTTGGTGTAC-3'
Protein context (NP_005892.1, residues 98-118): TTGLYSFSEQ[Thr108Ser]RSLDGRLQVS